The following is an entry in ClinVar:

ClinVar aggregate classification (germline): Uncertain significance (1 of 4 stars; one submission).

Conditions:
Cardiovascular phenotype. Identifiers: MedGen CN230736.

Allele frequency attached by ClinVar (database versions not stated): gnomAD exomes below 0.00001.
gnomAD v4.1: 5 of 1,612,668 alleles (0.00031%); highest among the groups gnomAD compares: Non-Finnish European, 0.00042%; no homozygotes.

Submission:

Ambry Genetics
Classification: Uncertain significance for Cardiovascular phenotype. Last evaluated: 2024-02-16. Review status: criteria provided, single submitter. Criteria: Ambry Variant Classification Scheme 2023. Collection method: clinical testing. Allele origin: germline.
Comment: The p.R1817Q variant (also known as c.5450G>A), located in coding exon 39 of the ABCA1 gene, results from a G to A substitution at nucleotide position 5450. The arginine at codon 1817 is replaced by glutamine, an amino acid with highly similar properties. This amino acid position is conserved. In addition, this alteration is predicted to be deleterious by in silico analysis. Based on the available evidence, the clinical significance of this alteration remains unclear.

NM_005502.4(ABCA1):c.5450G>A (p.Arg1817Gln)

Gene: ABCA1 (ATP binding cassette subfamily A member 1; minus strand). Cytogenetic location: 9q31.1.
Variant type: single nucleotide variant.
Coding change: c.5450G>A on transcript NM_005502.4 (MANE Select); coding-DNA position 5450, G replaced by A.
Protein change: p.Arg1817Gln; replaces arginine 1817 with glutamine.
Molecular consequence: missense variant.
Genome position (GRCh38, 1-based): chr9:104,794,443, C>T on the plus strand (G>A on the coding strand, the complement: ABCA1 is on the minus strand). VCF-style: chr9-104794443-C-T. GRCh37 (hg19) VCF-style: chr9-107556724-C-T.
Other names: short protein forms R1817Q.
Identifiers: ClinVar variation 3224768 (VCV003224768.1), dbSNP rs2538057819, ClinGen allele CA374312937.
Genomic context (GRCh38, chr9:104,794,443, plus strand): 5'-TCACCAAACCTTTCCAGGGCATCAGCCATTGCCTGGTTTTTCACCATGTCGATGAGCCCT[C>T]GTCCCAGGCAAAAATGTGGGAAGATCAAGAACACGGACTTCAGGATATCATTGATATTAT-3'
Protein context (NP_005493.2, residues 1807-1827): FLIFPHFCLG[Arg1817Gln]GLIDMVKNQA